The following is an entry in ClinVar:

NM_004565.3(PEX14):c.697C>G (p.Pro233Ala)

Gene: PEX14 (peroxisomal biogenesis factor 14; plus strand). Cytogenetic location: 1p36.22.
Variant type: single nucleotide variant.
Coding change: c.697C>G on transcript NM_004565.3 (MANE Select); coding-DNA position 697, C replaced by G.
Protein change: p.Pro233Ala; replaces proline 233 with alanine.
Molecular consequence: missense variant.
Genome position (GRCh38, 1-based): chr1:10,629,550, C>G. VCF-style: chr1-10629550-C-G. GRCh37 (hg19) VCF-style: chr1-10689607-C-G.
Other names: short protein forms P233A.
Identifiers: ClinVar variation 2130782 (VCV002130782.4), dbSNP rs2521923858, ClinGen allele CA338338091.
Genomic context (GRCh38, chr1:10,629,550, plus strand): 5'-TGAATGCCGCCACCAACCTCCTCCCCTTCTTCTCCCTCTAGGAGGCAGTTCCCTCCATCC[C>G]CATCAGCCCCGAAGATCCCCTCCTGGCAGATCCCAGTCAAGTCACCGTCACCCTCCAGCC-3'
Protein context (NP_004556.1, residues 223-243): LLNRRQFPPS[Pro233Ala]SAPKIPSWQI

ClinVar aggregate classification (germline): Uncertain significance (1 of 4 stars; one submission).

Conditions:
Peroxisome biogenesis disorder, complementation group K (CGK). Identifiers: MedGen C1866257, MONDO:0800365.

Allele frequency attached by ClinVar (database versions not stated): gnomAD exomes below 0.00001.
gnomAD v4.1: 1 of 1,613,486 alleles (0.000062%); highest among the groups gnomAD compares: Non-Finnish European, 0.000085%; no homozygotes.

Submission:

Labcorp Genetics (formerly Invitae), Labcorp
Classification: Uncertain significance for Peroxisome biogenesis disorder, complementation group K. Last evaluated: 2022-04-25. Review status: criteria provided, single submitter. Criteria: Invitae Variant Classification Sherloc (09022015). Collection method: clinical testing. Allele origin: germline.
Comment: In summary, the available evidence is currently insufficient to determine the role of this variant in disease. Therefore, it has been classified as a Variant of Uncertain Significance. Algorithms developed to predict the effect of missense changes on protein structure and function (SIFT, PolyPhen-2, Align-GVGD) all suggest that this variant is likely to be tolerated. This variant has not been reported in the literature in individuals affected with PEX14-related conditions. This variant is not present in population databases (gnomAD no frequency). This sequence change replaces proline, which is neutral and non-polar, with alanine, which is neutral and non-polar, at codon 233 of the PEX14 protein (p.Pro233Ala).